The following is an entry in ClinVar:

ClinVar aggregate classification (germline): Benign/Likely benign. Review status: criteria provided, multiple submitters, no conflicts (2 of 4 stars). 4 submissions from 4 submitters: Benign (1); Likely benign (3). Last evaluated 2026-01-20.

Conditions:
Juvenile polyposis syndrome (JPS). Identifiers: Orphanet 2929, MedGen C0345893, MONDO:0017380, OMIM 174900.
Hereditary cancer-predisposing syndrome. Also called: Neoplastic Syndromes, Hereditary; Tumor predisposition; Hereditary Cancer Syndrome; Hereditary neoplastic syndrome. Identifiers: Orphanet 140162, MedGen C0027672, MeSH D009386, MONDO:0015356.

Submissions (4):

Labcorp Genetics (formerly Invitae), Labcorp
Classification: Likely benign for Juvenile polyposis syndrome. Last evaluated: 2026-01-20. Review status: criteria provided, single submitter. Criteria: Invitae Variant Classification Sherloc (09022015). Collection method: clinical testing. Allele origin: germline.

Myriad Genetics, Inc.
Classification: Benign for Juvenile polyposis syndrome. Last evaluated: 2024-08-01. Review status: criteria provided, single submitter. Criteria: Myriad Autosomal Dominant, Autosomal Recessive and X-Linked Classification Criteria (2023). Collection method: clinical testing. Allele origin: unknown.
Comment: This variant is considered benign. This variant is a silent/synonymous amino acid change and it is not expected to impact splicing.

All of Us Research Program, National Institutes of Health
Classification: Likely benign for Juvenile polyposis syndrome. Last evaluated: 2023-10-02. Review status: criteria provided, single submitter. Criteria: ACMG Guidelines, 2015. Collection method: clinical testing. Allele origin: germline. Inheritance: Autosomal dominant inheritance. Observed: 1 variant allele, 1 heterozygote.
Comment: This study involves interpretation of variants in research participants for the purpose of population health screening. Participant phenotype was not available at the time of variant classification. Additional details can be found in publication PMID: 35346344, PMCID: PMC8962531

Ambry Genetics
Classification: Likely benign for Hereditary cancer-predisposing syndrome. Last evaluated: 2022-01-02. Review status: criteria provided, single submitter. Criteria: Ambry Variant Classification Scheme 2023. Collection method: clinical testing. Allele origin: germline.

NM_004329.3(BMPR1A):c.567C>T (p.Tyr189=)

Gene: BMPR1A (bone morphogenetic protein receptor type 1A; plus strand). Cytogenetic location: 10q23.2.
Variant type: single nucleotide variant.
Coding change: c.567C>T on transcript NM_004329.3 (MANE Select); coding-DNA position 567, C replaced by T.
Protein change: p.Tyr189=; no amino-acid change (tyrosine 189 retained).
Molecular consequence: synonymous variant. On other transcripts: non-coding transcript variant (3), intron variant (1).
Genome position (GRCh38, 1-based): chr10:86,912,276, C>T. VCF-style: chr10-86912276-C-T. GRCh37 (hg19) VCF-style: chr10-88672033-C-T.
Other names: c.642C>T, p.Tyr214= (NM_001406559.1); c.615C>T, p.Tyr205= (NM_001406560.1); c.567C>T, p.Tyr189= (NM_001406561.1, NM_001406562.1, NM_001406563.1 and 20 more transcripts); c.483C>T, p.Tyr161= (NM_001406584.1, NM_001406585.1, NM_001406586.1 and 2 more transcripts); c.334-4858C>T (NM_001406589.1).
Identifiers: ClinVar variation 1749008 (VCV001749008.9), dbSNP rs1554890213, ClinGen allele CA470307604.